The following is an entry in ClinVar:

NM_000038.6(APC):c.4379C>A (p.Ala1460Asp)

Gene: APC (APC regulator of Wnt signaling pathway; plus strand). Cytogenetic location: 5q22.2.
Variant type: single nucleotide variant.
Coding change: c.4379C>A on transcript NM_000038.6 (MANE Select); coding-DNA position 4379, C replaced by A.
Protein change: p.Ala1460Asp; replaces alanine 1460 with aspartic acid.
Molecular consequence: missense variant.
Genome position (GRCh38, 1-based): chr5:112,839,973, C>A. VCF-style: chr5-112839973-C-A. GRCh37 (hg19) VCF-style: chr5-112175670-C-A.
Other names: c.4379C>A, p.Ala1460Asp (NM_001127510.3, NM_001354895.2); c.4325C>A, p.Ala1442Asp (NM_001127511.3); c.4433C>A, p.Ala1478Asp (NM_001354896.2); c.4409C>A, p.Ala1470Asp (NM_001354897.2); c.4304C>A, p.Ala1435Asp (NM_001354898.2); c.4295C>A, p.Ala1432Asp (NM_001354899.2); c.4256C>A, p.Ala1419Asp (NM_001354900.2); c.4202C>A, p.Ala1401Asp (NM_001354901.2); and 5 more; short protein forms A1300D, A1334D, A1369D, A1442D, A1478D, A1359D, A1419D, A1432D.
Identifiers: ClinVar variation 824843 (VCV000824843.4), dbSNP rs1580647411, ClinGen allele CA16030918.

ClinVar aggregate classification (germline): Uncertain significance (1 of 4 stars; one submission).

Conditions:
Hereditary cancer-predisposing syndrome. Also called: Neoplastic Syndromes, Hereditary; Tumor predisposition; Hereditary neoplastic syndrome; Hereditary Cancer Syndrome. Identifiers: Orphanet 140162, MedGen C0027672, MeSH D009386, MONDO:0015356.

Submission:

Ambry Genetics
Classification: Uncertain significance for Hereditary cancer-predisposing syndrome. Last evaluated: 2018-11-21. Review status: criteria provided, single submitter. Criteria: Ambry Variant Classification Scheme 2023. Collection method: clinical testing. Allele origin: germline.
Comment: The p.A1460D variant (also known as c.4379C>A), located in coding exon 15 of the APC gene, results from a C to A substitution at nucleotide position 4379. The alanine at codon 1460 is replaced by aspartic acid, an amino acid with dissimilar properties. This amino acid position is not well conserved in available vertebrate species. In addition, in silico predictors for this gene do not accurately predict pathogenicity. Since supporting evidence is limited at this time, the clinical significance of this alteration remains unclear.